The following is an entry in ClinVar:

NM_001429.4(EP300):c.3704A>G (p.Lys1235Arg)

Gene: EP300 (EP300 lysine acetyltransferase; plus strand). Cytogenetic location: 22q13.2.
Variant type: single nucleotide variant.
Coding change: c.3704A>G on transcript NM_001429.4 (MANE Select); coding-DNA position 3704, A replaced by G.
Protein change: p.Lys1235Arg; replaces lysine 1235 with arginine.
Molecular consequence: missense variant.
Genome position (GRCh38, 1-based): chr22:41,162,755, A>G. VCF-style: chr22-41162755-A-G. GRCh37 (hg19) VCF-style: chr22-41558759-A-G.
Other names: c.3626A>G, p.Lys1209Arg (NM_001362843.2); short protein forms K1209R, K1235R.
Identifiers: ClinVar variation 2634356 (VCV002634356.4), dbSNP rs775923978, ClinGen allele CA10253199.

ClinVar aggregate classification (germline): Likely benign. Review status: criteria provided, single submitter (1 of 4 stars). 2 submissions from 2 submitters: Likely benign (1). 1 of the submissions does not count toward it. Last evaluated 2024-10-16.

Conditions:
EP300-related disorder. Also called: EP300-related condition; EP300-related disorders.
Rubinstein-Taybi syndrome due to EP300 haploinsufficiency. Also called: EP300-Related Rubinstein-Taybi Syndrome; RUBINSTEIN-TAYBI SYNDROME 2. Identifiers: Orphanet 353284, Orphanet 783, MedGen C3150941, MONDO:0013364, OMIM 613684.

Allele frequency attached by ClinVar (database versions not stated): gnomAD exomes below 0.00001; ExAC 0.00001; gnomAD 0.00001; TOPMed 0.00003.

Submissions (2):

Labcorp Genetics (formerly Invitae), Labcorp
Classification: Likely benign for Rubinstein-Taybi syndrome due to EP300 haploinsufficiency. Last evaluated: 2024-10-16. Review status: criteria provided, single submitter. Criteria: Invitae Variant Classification Sherloc (09022015). Collection method: clinical testing. Allele origin: germline.

PreventionGenetics, part of Exact Sciences
Classification: Uncertain significance for EP300-related condition. Last evaluated: 2024-05-08. Review status: no assertion criteria provided. Collection method: clinical testing. Allele origin: germline. Not counted in ClinVar's aggregate classification.
Comment: The EP300 c.3704A>G variant is predicted to result in the amino acid substitution p.Lys1235Arg. To our knowledge, this variant has not been reported in the literature. This variant is reported in 0.0062% of alleles in individuals of African descent in gnomAD. At this time, the clinical significance of this variant is uncertain due to the absence of conclusive functional and genetic evidence.